The following is an entry in ClinVar:

NM_000548.5(TSC2):c.379A>G (p.Ile127Val)

Gene: TSC2 (TSC complex subunit 2; plus strand). Cytogenetic location: 16p13.3.
Variant type: single nucleotide variant.
Coding change: c.379A>G on transcript NM_000548.5 (MANE Select); coding-DNA position 379, A replaced by G.
Protein change: p.Ile127Val; replaces isoleucine 127 with valine.
Molecular consequence: missense variant. On other transcripts: intron variant (1).
Genome position (GRCh38, 1-based): chr16:2,054,338, A>G. VCF-style: chr16-2054338-A-G. GRCh37 (hg19) VCF-style: chr16-2104339-A-G.
Other names: c.379A>G, p.Ile127Val (NM_001077183.3, NM_001114382.3, NM_001363528.2 and 3 more transcripts); c.268A>G, p.Ile90Val (NM_001318827.2); c.232A>G, p.Ile78Val (NM_001318829.2); c.412A>G, p.Ile138Val (NM_001318832.2); c.-1-1858A>G (NM_001318831.2); short protein forms I90V, I127V, I138V, I78V.
Identifiers: ClinVar variation 945542 (VCV000945542.16), dbSNP rs1207714822, ClinGen allele CA394306780.

ClinVar aggregate classification (germline): Uncertain significance. Review status: criteria provided, multiple submitters, no conflicts (2 of 4 stars). 4 submissions from 4 submitters: Uncertain significance (4). Last evaluated 2025-08-29.

Conditions:
Tuberous sclerosis 2 (TSC2). Identifiers: Orphanet 805, MedGen C1860707, MONDO:0013199, OMIM 613254.
Hereditary cancer-predisposing syndrome. Also called: Neoplastic Syndromes, Hereditary; Hereditary neoplastic syndrome; Hereditary Cancer Syndrome; Tumor predisposition. Identifiers: Orphanet 140162, MedGen C0027672, MeSH D009386, MONDO:0015356.

Allele frequency attached by ClinVar (database versions not stated): TOPMed below 0.00001.

Submissions (4):

Ambry Genetics
Classification: Uncertain significance for Hereditary cancer-predisposing syndrome. Last evaluated: 2025-08-29. Review status: criteria provided, single submitter. Criteria: Ambry Variant Classification Scheme 2023. Collection method: clinical testing. Allele origin: germline.
Comment: The p.I127V variant (also known as c.379A>G), located in coding exon 4 of the TSC2 gene, results from an A to G substitution at nucleotide position 379. The isoleucine at codon 127 is replaced by valine, an amino acid with highly similar properties. This amino acid position is highly conserved in available vertebrate species. In addition, the in silico prediction for this alteration is inconclusive. Since supporting evidence is limited at this time, the clinical significance of this alteration remains unclear.

Labcorp Genetics (formerly Invitae), Labcorp
Classification: Uncertain significance for Tuberous sclerosis 2. Last evaluated: 2024-08-15. Review status: criteria provided, single submitter. Criteria: Invitae Variant Classification Sherloc (09022015). Collection method: clinical testing. Allele origin: germline.
Comment: This sequence change replaces isoleucine, which is neutral and non-polar, with valine, which is neutral and non-polar, at codon 127 of the TSC2 protein (p.Ile127Val). This variant is not present in population databases (gnomAD no frequency). This variant has not been reported in the literature in individuals affected with TSC2-related conditions. ClinVar contains an entry for this variant (Variation ID: 945542). Invitae Evidence Modeling of protein sequence and biophysical properties (such as structural, functional, and spatial information, amino acid conservation, physicochemical variation, residue mobility, and thermodynamic stability) indicates that this missense variant is not expected to disrupt TSC2 protein function with a negative predictive value of 95%. In summary, the available evidence is currently insufficient to determine the role of this variant in disease. Therefore, it has been classified as a Variant of Uncertain Significance.

Genome-Nilou Lab
Classification: Uncertain significance for Tuberous sclerosis 2. Last evaluated: 2021-11-07. Review status: criteria provided, single submitter. Criteria: ACMG Guidelines, 2015. Collection method: clinical testing. Allele origin: germline. Affected: no.

Dubai Health Genomic Medicine Center, Dubai Health
Classification: Uncertain significance. Last evaluated: 2020-03-23. Review status: criteria provided, single submitter. Criteria: ACMG Guidelines, 2015. Collection method: clinical testing. Allele origin: germline. Affected: yes.